The following is an entry in ClinVar:

ClinVar aggregate classification (germline): Uncertain significance (1 of 4 stars; one submission).

Conditions:
Hereditary cancer-predisposing syndrome. Also called: Hereditary Cancer Syndrome; Neoplastic Syndromes, Hereditary; Tumor predisposition; Hereditary neoplastic syndrome. Identifiers: Orphanet 140162, MedGen C0027672, MeSH D009386, MONDO:0015356.

Submission:

Ambry Genetics
Classification: Uncertain significance for Hereditary cancer-predisposing syndrome. Last evaluated: 2026-06-29. Review status: criteria provided, single submitter. Criteria: Ambry Variant Classification Scheme 2023. Collection method: clinical testing. Allele origin: germline.
Comment: The p.I106M variant (also known as c.318C>G), located in coding exon 3 of the EGFR gene, results from a C to G substitution at nucleotide position 318. The isoleucine at codon 106 is replaced by methionine, an amino acid with highly similar properties. This amino acid position is well conserved in available vertebrate species. In addition, this alteration is predicted to be deleterious by in silico analysis. Based on the available evidence, the clinical significance of this variant remains unclear.

NM_005228.5(EGFR):c.318C>G (p.Ile106Met)

Gene: EGFR (epidermal growth factor receptor; plus strand). Cytogenetic location: 7p11.2.
Variant type: single nucleotide variant.
Coding change: c.318C>G on transcript NM_005228.5 (MANE Select); coding-DNA position 318, C replaced by G.
Protein change: p.Ile106Met; replaces isoleucine 106 with methionine.
Molecular consequence: missense variant. On other transcripts: intron variant (1).
Genome position (GRCh38, 1-based): chr7:55,143,382, C>G. VCF-style: chr7-55143382-C-G. GRCh37 (hg19) VCF-style: chr7-55211075-C-G.
Other names: c.318C>G, p.Ile106Met (NM_001346897.2, NM_001346898.2, NM_001346899.2 and 3 more transcripts); c.159C>G, p.Ile53Met (NM_001346900.2); c.89-12448C>G (NM_001346941.2); short protein forms I53M, I106M.
Identifiers: ClinVar variation 5035740 (VCV005035740.1).
Genomic context (GRCh38, chr7:55,143,382, plus strand): 5'-TGGTTATGTCCTCATTGCCCTCAACACAGTGGAGCGAATTCCTTTGGAAAACCTGCAGAT[C>G]ATCAGAGGAAATATGTACTACGAAAATTCCTATGCCTTAGCAGTCTTATCTAACTATGAT-3'
Protein context (NP_005219.2, residues 96-116): VERIPLENLQ[Ile106Met]IRGNMYYENS